The following is an entry in ClinVar:

ClinVar aggregate classification (germline): Likely benign. Review status: criteria provided, multiple submitters, no conflicts (2 of 4 stars). 2 submissions from 2 submitters: Likely benign (2). Last evaluated 2024-03-24.

Allele frequency attached by ClinVar (database versions not stated): TOPMed below 0.00001; gnomAD 0.00001.
gnomAD v4.1: 6 of 1,614,004 alleles (0.00037%); highest among the groups gnomAD compares: Middle Eastern, 0.016%; no homozygotes.

Submissions (2):

Blueprint Genetics
Classification: Likely benign. Last evaluated: 2024-03-24. Review status: criteria provided, single submitter. Criteria: ACMG Guidelines, 2015. Collection method: clinical testing. Allele origin: germline.

CeGaT Center for Human Genetics Tuebingen
Classification: Likely benign. Last evaluated: 2023-01-01. Review status: criteria provided, single submitter. Criteria: CeGaT Center For Human Genetics Tuebingen Variant Classification Criteria Version 2. Collection method: clinical testing. Allele origin: germline. Affected: yes. Observed: 1 variant allele.
Comment: DHX30: BP4, BP7

NM_138615.3(DHX30):c.633C>T (p.Thr211=)

Gene: DHX30 (DExH-box helicase 30; plus strand). Cytogenetic location: 3p21.31.
Variant type: single nucleotide variant.
Coding change: c.633C>T on transcript NM_138615.3 (MANE Select); coding-DNA position 633, C replaced by T.
Protein change: p.Thr211=; no amino-acid change (threonine 211 retained).
Molecular consequence: synonymous variant.
Genome position (GRCh38, 1-based): chr3:47,841,143, C>T. VCF-style: chr3-47841143-C-T. GRCh37 (hg19) VCF-style: chr3-47882633-C-T.
Other names: c.549C>T, p.Thr183= (NM_001330990.2); c.516C>T, p.Thr172= (NM_014966.4).
Identifiers: ClinVar variation 2653769 (VCV002653769.25), dbSNP rs762812900, ClinGen allele CA433608163.